The following is an entry in ClinVar:

NM_000540.3(RYR1):c.12057G>C (p.Gln4019His)

Gene: RYR1 (ryanodine receptor 1; plus strand). Cytogenetic location: 19q13.2.
Variant type: single nucleotide variant.
Coding change: c.12057G>C on transcript NM_000540.3 (MANE Select); coding-DNA position 12057, G replaced by C.
Protein change: p.Gln4019His; replaces glutamine 4019 with histidine.
Molecular consequence: missense variant.
Genome position (GRCh38, 1-based): chr19:38,546,489, G>C. VCF-style: chr19-38546489-G-C. GRCh37 (hg19) VCF-style: chr19-39037129-G-C.
Other names: c.12042G>C, p.Gln4014His (NM_001042723.2); short protein forms Q4014H, Q4019H.
Identifiers: ClinVar variation 3072490 (VCV003072490.3), dbSNP rs1158415324, ClinGen allele CA405663953.
Genomic context (GRCh38, chr19:38,546,489, plus strand): 5'-GAGCTGGGATCTCTAGGACTCAAGCCAGATCGAGCTGCTGAAGGAGCTGCTGGATCTGCA[G>C]AAGGACATGGTGGTGATGTTGCTGTCGCTACTAGAAGGTAAACACCCAGGAGTGAGGGTG-3'
Protein context (NP_000531.2, residues 4009-4029): IELLKELLDL[Gln4019His]KDMVVMLLSL

ClinVar aggregate classification (germline): Uncertain significance. Review status: criteria provided, multiple submitters, no conflicts (2 of 4 stars). 3 submissions from 3 submitters: Uncertain significance (3). Last evaluated 2025-07-29.

Conditions:
Malignant hyperthermia, susceptibility to, 1 (MHS1). Also called: Anesthesia related hyperthermia; Malignant hyperpyrexia; Fulminating hyperpyrexia; Pharmacogenic myopathy; RYR1-Related Malignant Hyperthermia Susceptibility; Malignant hyperthermia suceptibility 1. Identifiers: Orphanet 423, MedGen C2930980, MONDO:0007783, OMIM 145600.
RYR1-related disorder. Also called: RYR1-related condition; RYR1-related disorders. Identifiers: MedGen CN239331.

Allele frequency attached by ClinVar (database versions not stated): TOPMed below 0.00001; gnomAD exomes 0.00001.

Submissions (3):

Labcorp Genetics (formerly Invitae), Labcorp
Classification: Uncertain significance for RYR1-related disorder. Last evaluated: 2025-07-29. Review status: criteria provided, single submitter. Criteria: Invitae Variant Classification Sherloc (09022015). Collection method: clinical testing. Allele origin: germline.
Comment: This sequence change replaces glutamine, which is neutral and polar, with histidine, which is basic and polar, at codon 4019 of the RYR1 protein (p.Gln4019His). This variant is present in population databases (no rsID available, gnomAD 0.009%). This variant has not been reported in the literature in individuals affected with RYR1-related conditions. ClinVar contains an entry for this variant (Variation ID: 3072490). Invitae Evidence Modeling of protein sequence and biophysical properties (such as structural, functional, and spatial information, amino acid conservation, physicochemical variation, residue mobility, and thermodynamic stability) indicates that this missense variant is expected to disrupt RYR1 protein function with a positive predictive value of 80%. In summary, the available evidence is currently insufficient to determine the role of this variant in disease. Therefore, it has been classified as a Variant of Uncertain Significance.

GeneDx
Classification: Uncertain significance. Last evaluated: 2025-03-04. Review status: criteria provided, single submitter. Criteria: GeneDx Variant Classification Process June 2021. Collection method: clinical testing. Allele origin: germline. Affected: yes.
Comment: Not observed at significant frequency in large population cohorts (gnomAD); In silico analysis supports that this missense variant has a deleterious effect on protein structure/function; Has not been previously published as pathogenic or benign to our knowledge

All of Us Research Program, National Institutes of Health
Classification: Uncertain significance for Malignant hyperthermia, susceptibility to, 1. Last evaluated: 2023-12-13. Review status: criteria provided, single submitter. Criteria: ACMG Guidelines, 2015. Collection method: clinical testing. Allele origin: germline. Inheritance: Autosomal dominant inheritance. Observed: 2 variant alleles, 2 heterozygotes.
Comment: This missense variant replaces glutamine with histidine at codon 4019 of the RYR1 protein. Computational prediction suggests that this variant may not impact protein structure and function (internally defined REVEL score threshold <= 0.5, PMID: 27666373). To our knowledge, functional studies have not been reported for this variant. This variant has not been reported in individuals affected with RYR1-related disorders in the literature. This variant has been identified in 3/251476 chromosomes in the general population by the Genome Aggregation Database (gnomAD). The available evidence is insufficient to determine the role of this variant in disease conclusively. Therefore, this variant is classified as a Variant of Uncertain Significance.

This study involves interpretation of variants in research participants for the purpose of population health screening. Participant phenotype was not available at the time of variant classification. Additional details can be found in publication PMID: 35346344, PMCID: PMC8962531